The following is an entry in ClinVar:

ClinVar aggregate classification (germline): Conflicting classifications of pathogenicity. Review status: criteria provided, conflicting classifications (1 of 4 stars). 21 submissions from 21 submitters: Uncertain significance (1); Benign (3); Likely benign (15). 2 of the submissions do not count toward it. Last evaluated 2026-02-04.

Conditions:
Hereditary nonpolyposis colorectal neoplasms. Identifiers: MedGen C0009405, MeSH D003123.
Hereditary cancer-predisposing syndrome. Also called: Tumor predisposition; Neoplastic Syndromes, Hereditary; Hereditary Cancer Syndrome; Hereditary neoplastic syndrome. Identifiers: Orphanet 140162, MedGen C0027672, MeSH D009386, MONDO:0015356.
Breast and/or ovarian cancer. Identifiers: MedGen CN221562.
Lynch syndrome. Identifiers: Orphanet 144, MedGen C4552100, MONDO:0005835. Disease mechanism: loss of function.
Lynch syndrome 5 (LYNCH5). Also called: Hereditary non-polyposis colorectal cancer, type 5; Colorectal cancer, hereditary nonpolyposis, type 5. Identifiers: Orphanet 144, MedGen C1833477, MONDO:0013710, OMIM 614350. Disease mechanism: loss of function.
Malignant tumor of breast. Also called: Malignant breast neoplasm; Cancer breast. Identifiers: MedGen C0006142, MONDO:0007254. Disease mechanism: loss of function.

Allele frequency attached by ClinVar (database versions not stated): gnomAD exomes 0.00005 and 0.00006; gnomAD 0.00006 and 0.00007; ExAC 0.00007; TOPMed 0.00003.
gnomAD v4.1: 87 of 1,614,140 alleles (0.0054%); highest among the groups gnomAD compares: Middle Eastern, 0.016%; no homozygotes.

Submissions (21):

Labcorp Genetics (formerly Invitae), Labcorp
Classification: Likely benign for Hereditary nonpolyposis colorectal neoplasms. Last evaluated: 2026-02-04. Review status: criteria provided, single submitter. Criteria: Invitae Variant Classification Sherloc (09022015). Collection method: clinical testing. Allele origin: germline.

Institute for Biomarker Research, Medical Diagnostic Laboratories, L.L.C.
Classification: Likely benign for Hereditary cancer-predisposing syndrome. Last evaluated: 2025-04-30. Review status: criteria provided, single submitter. Criteria: ACMG Guidelines, 2015. Collection method: clinical testing. Allele origin: germline.
Comment: The synonymous variant NM_000179.3(MSH6):c.1050C>T (p.Ala350=) has not been reported previously as a pathogenic variant, to our knowledge. The p.Ala350= variant is not predicted to disrupt an existing splice site. The p.Ala350= variant results in a substitution of a base that is not predicted conserved by GERP++ and PhyloP. For these reasons, this variant has been classified as Likely Benign.

Center for Genomic Medicine, Rigshospitalet, Copenhagen University Hospital
Classification: Likely benign. Last evaluated: 2025-03-04. Review status: criteria provided, single submitter. Criteria: ACMG Guidelines, 2015. Collection method: clinical testing. Allele origin: germline.

Laboratory of Genetics, Children's Clinical University Hospital Latvia
Classification: Likely benign. Last evaluated: 2025-02-16. Review status: criteria provided, single submitter. Criteria: ACMG Guidelines, 2015. Collection method: clinical testing. Allele origin: germline. Affected: yes.

CeGaT Center for Human Genetics Tuebingen
Classification: Likely benign. Last evaluated: 2024-08-01. Review status: criteria provided, single submitter. Criteria: CeGaT Center For Human Genetics Tuebingen Variant Classification Criteria Version 2. Collection method: clinical testing. Allele origin: germline. Affected: yes. Observed: 4 variant alleles.
Comment: MSH6: BP4, BP7

Blueprint Genetics
Classification: Likely benign. Last evaluated: 2024-04-19. Review status: criteria provided, single submitter. Criteria: ACMG Guidelines, 2015. Collection method: clinical testing. Allele origin: germline.

Quest Diagnostics Nichols Institute San Juan Capistrano
Classification: Likely benign. Last evaluated: 2024-02-16. Review status: criteria provided, single submitter. Criteria: Quest Diagnostics criteria. Collection method: clinical testing. Allele origin: unknown.

All of Us Research Program, National Institutes of Health
Classification: Likely benign for Lynch syndrome. Last evaluated: 2023-12-01. Review status: criteria provided, single submitter. Criteria: ACMG Guidelines, 2015. Collection method: clinical testing. Allele origin: germline. Inheritance: Autosomal dominant inheritance. Observed: 21 variant alleles, 21 heterozygotes.
Comment: This study involves interpretation of variants in research participants for the purpose of population health screening. Participant phenotype was not available at the time of variant classification. Additional details can be found in publication PMID: 35346344, PMCID: PMC8962531

Myriad Genetics, Inc.
Classification: Benign for Lynch syndrome 5. Last evaluated: 2023-03-29. Review status: criteria provided, single submitter. Criteria: Myriad Autosomal Dominant, Autosomal Recessive and X-Linked Classification Criteria (2023). Collection method: clinical testing. Allele origin: unknown.
Comment: This variant is considered benign. This variant is a silent/synonymous amino acid change and it is not expected to impact splicing.

CHEO Genetics Diagnostic Laboratory, Children's Hospital of Eastern Ontario
Classification: Likely benign for Breast and/or ovarian cancer. Last evaluated: 2022-05-04. Review status: criteria provided, single submitter. Criteria: ACMG Guidelines, 2015. Collection method: clinical testing. Allele origin: germline.

Sema4
Classification: Likely benign for Hereditary cancer-predisposing syndrome. Last evaluated: 2021-07-26. Review status: criteria provided, single submitter. Criteria: Sema4 Curation Guidelines. Collection method: curation. Allele origin: germline.

Women's Health and Genetics/Laboratory Corporation of America, LabCorp
Classification: Likely benign. Last evaluated: 2019-08-29. Review status: criteria provided, single submitter. Criteria: LabCorp Variant Classification Summary - May 2015. Collection method: clinical testing. Allele origin: germline.

Mendelics
Classification: Likely benign for Lynch syndrome 5. Last evaluated: 2019-05-28. Review status: criteria provided, single submitter. Criteria: Mendelics Assertion Criteria 2017. Collection method: clinical testing. Allele origin: unknown.

Illumina Laboratory Services, Illumina
Classification: Uncertain significance for Lynch syndrome 5. Last evaluated: 2018-01-13. Review status: criteria provided, single submitter. Criteria: ICSL Variant Classification Criteria 13 December 2019. Collection method: clinical testing. Allele origin: germline.

PreventionGenetics, part of Exact Sciences
Classification: Likely benign. Last evaluated: 2017-10-25. Review status: criteria provided, single submitter. Criteria: ACMG Guidelines, 2015. Collection method: clinical testing. Allele origin: germline.

Genetic Services Laboratory, University of Chicago
Classification: Likely benign. Last evaluated: 2017-02-16. Review status: criteria provided, single submitter. Criteria: ACMG Guidelines, 2015. Collection method: clinical testing. Allele origin: germline. Affected: no.

Color Diagnostics, LLC DBA Color Health
Classification: Likely benign for Hereditary cancer-predisposing syndrome. Last evaluated: 2015-08-04. Review status: criteria provided, single submitter. Criteria: ACMG Guidelines, 2015. Collection method: clinical testing. Allele origin: germline.

Ambry Genetics
Classification: Benign for Hereditary cancer-predisposing syndrome. Last evaluated: 2014-11-18. Review status: criteria provided, single submitter. Criteria: Ambry Variant Classification Scheme 2023. Collection method: clinical testing. Allele origin: germline.

GeneDx
Classification: Benign. Last evaluated: 2014-08-21. Review status: criteria provided, single submitter. Criteria: GeneDx Variant Classification (06012015). Collection method: clinical testing. Allele origin: germline. Affected: yes.
Comment: This variant is considered likely benign or benign based on one or more of the following criteria: it is a conservative change, it occurs at a poorly conserved position in the protein, it is predicted to be benign by multiple in silico algorithms, and/or has population frequency not consistent with disease.

Counsyl
Classification: Likely benign for Lynch syndrome 5. Last evaluated: 2016-10-03. Review status: no assertion criteria provided. Collection method: clinical testing. Allele origin: unknown. Not counted in ClinVar's aggregate classification.

Department of Pathology and Laboratory Medicine, Sinai Health System
Classification: Likely benign for Malignant tumor of breast. Review status: no assertion criteria provided. Collection method: clinical testing. Allele origin: unknown. Affected: yes. Study: The Canadian Open Genetics Repository (COGR). Not counted in ClinVar's aggregate classification.
Comment: The MSH6 p.Ala350= variant was identified in 1 of 3786 proband chromosomes (frequency: 0.0003) from individuals or families with ovarian cancer (Pal 2012). The variant was also identified in dbSNP (ID: rs730881802) as "With other allele", ClinVar (classified as benign by GeneDx and Ambry Genetics; as likely benign by Invitae and four other submitters; as uncertain significance by three submitters). The variant was not identified in UMD-LSDB. The variant was identified in control databases in 18 of 276982 chromosomes at a frequency of 0.00007 (Genome Aggregation Database Feb 27, 2017). The variant was observed in the following populations: Other in 1 of 6468 chromosomes (freq: 0.0002), European in 16 of 126500 chromosomes (freq: 0.0001), Finnish in 1 of 25786 chromosomes (freq: 0.00004); it was not observed in the African, Latino, Ashkenazi Jewish, East Asian, and South Asian populations. The p.Ala350= variant is not expected to have clinical significance because it does not result in a change of amino acid and is not located in a known consensus splice site. In addition, in silico or computational prediction software programs (SpliceSiteFinder, MaxEntScan, NNSPLICE, GeneSplicer) do not predict a difference in splicing. In summary, based on the above information the clinical significance of this variant cannot be determined with certainty at this time although we would lean towards a more benign role for this variant. This variant is classified as likely benign.

Literature cited by the submitters: PubMed 23047549 (cited by 3 submitters).

NM_000179.3(MSH6):c.1050C>T (p.Ala350=)

Gene: MSH6 (mutS homolog 6; plus strand). Cytogenetic location: 2p16.3.
Variant type: single nucleotide variant.
Coding change: c.1050C>T on transcript NM_000179.3 (MANE Select); coding-DNA position 1050, C replaced by T.
Protein change: p.Ala350=; no amino-acid change (alanine 350 retained).
Molecular consequence: synonymous variant.
Genome position (GRCh38, 1-based): chr2:47,799,033, C>T. VCF-style: chr2-47799033-C-T. GRCh37 (hg19) VCF-style: chr2-48026172-C-T.
Other names: p.A350A:GCC>GCT; c.660C>T, p.Ala220= (NM_001281492.2); c.144C>T, p.Ala48= (NM_001281493.2, NM_001281494.2).
Identifiers: ClinVar variation 182643 (VCV000182643.84), dbSNP rs730881802, ClinGen allele CA007877.